The following is an entry in ClinVar:

ClinVar aggregate classification (germline): Likely benign (1 of 4 stars; one submission).

Allele frequency attached by ClinVar (database versions not stated): 1000 Genomes Project 30x 0.00031; ESP Exome Variant Server 0.00138.

Submission:

CeGaT Center for Human Genetics Tuebingen
Classification: Likely benign. Last evaluated: 2022-04-01. Review status: criteria provided, single submitter. Criteria: CeGaT Center For Human Genetics Tuebingen Variant Classification Criteria Version 2. Collection method: clinical testing. Allele origin: germline. Affected: yes. Observed: 1 variant allele.
Comment: MROH7: BP4, BP7

NM_001039464.4(MROH7):c.1203C>T (p.Asp401=)

Genes: MROH7 (maestro heat like repeat family member 7; plus strand), MROH7-TTC4 (MROH7-TTC4 readthrough (NMD candidate); plus strand). Cytogenetic location: 1p32.3.
Variant type: single nucleotide variant.
Coding change: c.1203C>T on transcript NM_001039464.4 (MANE Select); coding-DNA position 1203, C replaced by T.
Protein change: p.Asp401=; no amino-acid change (aspartic acid 401 retained).
Molecular consequence: synonymous variant. On other transcripts: non-coding transcript variant (5), intron variant (1).
Genome position (GRCh38, 1-based): chr1:54,654,129, C>T. VCF-style: chr1-54654129-C-T. GRCh37 (hg19) VCF-style: chr1-55119802-C-T.
Other names: c.-213-11038C>T (NM_001291332.2).
Identifiers: ClinVar variation 2638833 (VCV002638833.24), dbSNP rs202239855, ClinGen allele CA867715.